The following is an entry in ClinVar:

ClinVar aggregate classification (germline): Uncertain significance (1 of 4 stars; one submission).

Submission:

GeneDx
Classification: Uncertain significance. Last evaluated: 2022-03-10. Review status: criteria provided, single submitter. Criteria: GeneDx Variant Classification Process June 2021. Collection method: clinical testing. Allele origin: germline. Affected: yes.
Comment: Not observed at significant frequency in large population cohorts (gnomAD); In silico analysis supports that this missense variant has a deleterious effect on protein structure/function; Has not been previously published as pathogenic or benign to our knowledge

NM_006947.4(SRP72):c.1184T>A (p.Ile395Lys)

Gene: SRP72 (signal recognition particle 72; plus strand). Cytogenetic location: 4q12.
Variant type: single nucleotide variant.
Coding change: c.1184T>A on transcript NM_006947.4 (MANE Select); coding-DNA position 1184, T replaced by A.
Protein change: p.Ile395Lys; replaces isoleucine 395 with lysine.
Molecular consequence: missense variant. On other transcripts: non-coding transcript variant (1).
Genome position (GRCh38, 1-based): chr4:56,487,973, T>A. VCF-style: chr4-56487973-T-A. GRCh37 (hg19) VCF-style: chr4-57354139-T-A.
Other names: c.1001T>A, p.Ile334Lys (NM_001267722.2); short protein forms I334K, I395K.
Identifiers: ClinVar variation 1704934 (VCV001704934.2), dbSNP rs2545764551, ClinGen allele CA357000503.
Genomic context (GRCh38, chr4:56,487,973, plus strand): 5'-CTTCTATGTAATGCTGATTTTGTTTATTCTCCTAAGGTAATATTTCTAAAGCATGTCTAA[T>A]ATTGAGAAGCATAGAGGAGTTAAAGCATAAACCAGGCATGGTGAGTTTTAAAAATTACAA-3'
Protein context (NP_008878.3, residues 385-405): SQGNISKACL[Ile395Lys]LRSIEELKHK